The following is an entry in ClinVar:

NM_001267550.2(TTN):c.69877G>T (p.Gly23293Ter)

Genes: TTN (titin; minus strand), TTN-AS1 (TTN antisense RNA 1; plus strand), LOC126806422 (BRD4-independent group 4 enhancer GRCh37_chr2:179440205-179441404; plus strand). Cytogenetic location: 2q31.2.
Variant type: single nucleotide variant.
Coding change: c.69877G>T on transcript NM_001267550.2 (MANE Select); coding-DNA position 69877, G replaced by T.
Protein change: p.Gly23293Ter; replaces glycine 23293 with a stop codon.
Molecular consequence: nonsense.
Genome position (GRCh38, 1-based): chr2:178,576,255, C>A on the plus strand (G>T on the coding strand, the complement: TTN is on the minus strand). VCF-style: chr2-178576255-C-A. GRCh37 (hg19) VCF-style: chr2-179440982-C-A.
Other names: c.64954G>T, p.Gly21652Ter (NM_001256850.1); c.42682G>T, p.Gly14228Ter (NM_003319.4); c.62173G>T, p.Gly20725Ter (NM_133378.4); c.43057G>T, p.Gly14353Ter (NM_133432.3); c.43258G>T, p.Gly14420Ter (NM_133437.4); c.69877G>T (LRG_391t1); short protein forms G23293*, G20725*, G14420*, G14353*, G21652*, G14228*.
Identifiers: ClinVar variation 223380 (VCV000223380.1), dbSNP rs869312114, ClinGen allele CA353289.
Genomic context (GRCh38, chr2:178,576,255, plus strand): 5'-TGTATTTTTCTTTAGTCTGAAGATCAGGAACAACGAACTGAGTGATTCTGAGGGCGGTTC[C>A]TGTGGTATCTTTTATCCAGGCCTCGTCTCCTACTTTTTGATGCTCCACGACATAGCCAGT-3'

ClinVar aggregate classification (germline): Likely pathogenic (1 of 4 stars; one submission).

Conditions:
Primary dilated cardiomyopathy (DCM). Also called: Dilated Cardiomyopathy. Identifiers: Orphanet 217604, MedGen C0007193, MeSH D002311, MONDO:0005021, HP:0001644. Inheritance: Various modes of inheritance.

Submission:

Cardiovascular Biomedical Research Unit, Royal Brompton & Harefield NHS Foundation Trust
Classification: Likely pathogenic for Primary dilated cardiomyopathy. Last evaluated: 2014-10-08. Review status: criteria provided, single submitter. Criteria: Roberts et al. 2015. Collection method: research. Allele origin: germline. Inheritance: Autosomal dominant inheritance. Affected: yes. Observed: 1 variant allele. Study: Familial DCM.
Comment: In the seven cohorts assessed, TTNtv were found in 14% of ambulant DCM, 22% end-stage or familial DCM, and 2% controls. Heterozygous nonsense, frameshift and canonical splice-disrupting variants found in constitutive and other highly utilised exons are highly likely to be pathogenic when identified in individuals with phenotypically confirmed DCM. TTNtv found incidentally in healthy individuals (excluding familial assessment of DCM relatives) are thought to have low penetrance, particularly when identified in exons that are not constitutively expressed in the heart.